The following is an entry in ClinVar:

ClinVar aggregate classification (germline): Uncertain significance (1 of 4 stars; one submission).

gnomAD v4.1: 1 of 1,614,106 alleles (0.000062%); highest among the groups gnomAD compares: African/African-American, 0.0013%; no homozygotes.

Submission:

GeneDx
Classification: Uncertain significance. Last evaluated: 2024-05-18. Review status: criteria provided, single submitter. Criteria: GeneDx Variant Classification Process June 2021. Collection method: clinical testing. Allele origin: germline. Affected: yes.
Comment: Not observed at significant frequency in large population cohorts (gnomAD); In silico analysis supports that this missense variant has a deleterious effect on protein structure/function; Has not been previously published as pathogenic or benign to our knowledge

NM_001376.5(DYNC1H1):c.5036G>C (p.Arg1679Pro)

Gene: DYNC1H1 (dynein cytoplasmic 1 heavy chain 1; plus strand). Cytogenetic location: 14q32.31.
Variant type: single nucleotide variant.
Coding change: c.5036G>C on transcript NM_001376.5 (MANE Select); coding-DNA position 5036, G replaced by C.
Protein change: p.Arg1679Pro; replaces arginine 1679 with proline.
Molecular consequence: missense variant.
Genome position (GRCh38, 1-based): chr14:102,004,670, G>C. VCF-style: chr14-102004670-G-C. GRCh37 (hg19) VCF-style: chr14-102471007-G-C.
Other names: short protein forms R1679P.
Identifiers: ClinVar variation 3381561 (VCV003381561.1).